The following is an entry in ClinVar:

ClinVar aggregate classification (germline): Uncertain significance (1 of 4 stars; one submission).

Conditions:
Autosomal dominant limb-girdle muscular dystrophy type 1G (LGMDD3). Also called: Limb-girdle muscular dystrophy, type 1G; MUSCULAR DYSTROPHY, LIMB-GIRDLE, AUTOSOMAL DOMINANT 3. Identifiers: Orphanet 55596, MedGen C1836765, MONDO:0012193, OMIM 609115.

gnomAD v4.1: 1 of 1,389,634 alleles (0.000072%); highest among the groups gnomAD compares: Admixed American, 0.0038%; no homozygotes.

Submission:

Labcorp Genetics (formerly Invitae), Labcorp
Classification: Uncertain significance for Autosomal dominant limb-girdle muscular dystrophy type 1G. Last evaluated: 2024-12-18. Review status: criteria provided, single submitter. Criteria: Invitae Variant Classification Sherloc (09022015). Collection method: clinical testing. Allele origin: germline.
Comment: This sequence change replaces leucine, which is neutral and non-polar, with arginine, which is basic and polar, at codon 38 of the HNRNPDL protein (p.Leu38Arg). This variant is not present in population databases (gnomAD no frequency). This variant has not been reported in the literature in individuals affected with HNRNPDL-related conditions. An algorithm developed to predict the effect of missense changes on protein structure and function (PolyPhen-2) suggests that this variant is likely to be disruptive. In summary, the available evidence is currently insufficient to determine the role of this variant in disease. Therefore, it has been classified as a Variant of Uncertain Significance.

NM_031372.4(HNRNPDL):c.113T>G (p.Leu38Arg)

Gene: HNRNPDL (heterogeneous nuclear ribonucleoprotein D like; minus strand). Cytogenetic location: 4q21.22.
Variant type: single nucleotide variant.
Coding change: c.113T>G on transcript NM_031372.4 (MANE Select); coding-DNA position 113, T replaced by G.
Protein change: p.Leu38Arg; replaces leucine 38 with arginine.
Molecular consequence: missense variant. On other transcripts: non-coding transcript variant (1).
Genome position (GRCh38, 1-based): chr4:82,429,578, A>C on the plus strand (T>G on the coding strand, the complement: HNRNPDL is on the minus strand). VCF-style: chr4-82429578-A-C. GRCh37 (hg19) VCF-style: chr4-83350731-A-C.
Other names: c.113T>G, p.Leu38Arg (NM_001207000.1); short protein forms L38R.
Identifiers: ClinVar variation 3714301 (VCV003714301.2).